The following is an entry in ClinVar:

ClinVar aggregate classification (germline): Likely benign (1 of 4 stars; one submission).

Allele frequency attached by ClinVar (database versions not stated): TOPMed below 0.00001; gnomAD exomes 0.00001; gnomAD 0.00001.
gnomAD v4.1: 3 of 398,594 alleles (0.00075%); highest among the groups gnomAD compares: Non-Finnish European, 0.0013%; no homozygotes.

Submission:

GeneDx
Classification: Likely benign. Last evaluated: 2016-07-26. Review status: criteria provided, single submitter. Criteria: GeneDx Variant Classification (06012015). Collection method: clinical testing. Allele origin: germline. Affected: yes.
Comment: This variant is considered likely benign or benign based on one or more of the following criteria: it is a conservative change, it occurs at a poorly conserved position in the protein, it is predicted to be benign by multiple in silico algorithms, and/or has population frequency not consistent with disease.

NM_184043.2(ALDOA):c.-108C>T

Genes: ALDOA (aldolase, fructose-bisphosphate A; plus strand), LOC112694756 (uncharaterized LOC112694756; plus strand). Cytogenetic location: 16p11.2.
Variant type: single nucleotide variant.
Coding change: c.-108C>T on transcript NM_184043.2; 108 bases upstream of the start codon, C replaced by T.
Molecular consequence: 5 prime UTR variant. On other transcripts: intron variant (3).
Genome position (GRCh38, 1-based): chr16:30,064,419, C>T. VCF-style: chr16-30064419-C-T. GRCh37 (hg19) VCF-style: chr16-30075740-C-T.
Other names: c.*407-5C>T (NM_001365307.2, NM_001365305.2, NM_001365304.2).
Identifiers: ClinVar variation 387989 (VCV000387989.3), dbSNP rs1013012373, ClinGen allele CA16607281.